The following is an entry in ClinVar:

NM_004260.4(RECQL4):c.2238G>A (p.Ala746=)

Gene: RECQL4 (RecQ like helicase 4; minus strand). Cytogenetic location: 8q24.3.
Variant type: single nucleotide variant.
Coding change: c.2238G>A on transcript NM_004260.4 (MANE Select); coding-DNA position 2238, G replaced by A.
Protein change: p.Ala746=; no amino-acid change (alanine 746 retained).
Molecular consequence: synonymous variant.
Genome position (GRCh38, 1-based): chr8:144,513,443, C>T on the plus strand (G>A on the coding strand, the complement: RECQL4 is on the minus strand). VCF-style: chr8-144513443-C-T. GRCh37 (hg19) VCF-style: chr8-145738827-C-T.
Identifiers: ClinVar variation 414210 (VCV000414210.23), dbSNP rs35215952, ClinGen allele CA4948368.

ClinVar aggregate classification (germline): Benign/Likely benign. Review status: criteria provided, multiple submitters, no conflicts (2 of 4 stars). 8 submissions from 7 submitters: Benign (4); Likely benign (3). 1 of the submissions does not count toward it. Last evaluated 2026-02-03.

Conditions:
Rothmund-Thomson syndrome type 2 (RTS2). Identifiers: Orphanet 221016, MedGen C5203410, MONDO:0016369, OMIM 268400.
RECQL4-related disorder. Also called: RECQL4-related disorders; RECQL4-related condition.
Rapadilino syndrome. Identifiers: Orphanet 3021, MedGen C1849453, MONDO:0009955, OMIM 266280.
Baller-Gerold syndrome (BGS). Also called: CRANIOSYNOSTOSIS WITH RADIAL DEFECTS. Identifiers: Orphanet 1225, MedGen C0265308, MONDO:0009039, OMIM 218600.

Allele frequency attached by ClinVar (database versions not stated): gnomAD exomes 0.00303 and 0.00342; ExAC 0.00383; ESP Exome Variant Server 0.00808; gnomAD 0.00940 and 0.01004; 1000 Genomes Project 0.01038; TOPMed 0.01070; 1000 Genomes Project 30x 0.01109.
gnomAD v4.1: 5,946 of 1,609,742 alleles (0.37%); highest among the groups gnomAD compares: African/African-American, 2.7%; 38 homozygotes.

Submissions (14):

Labcorp Genetics (formerly Invitae), Labcorp
Classification: Benign for Baller-Gerold syndrome. Last evaluated: 2026-02-03. Review status: criteria provided, single submitter. Criteria: Invitae Variant Classification Sherloc (09022015). Collection method: clinical testing. Allele origin: germline.

KCCC/NGS Laboratory, Kuwait Cancer Control Center
Classification: Benign for Rapadilino syndrome. Last evaluated: 2025-02-01. Review status: criteria provided, single submitter. Criteria: ACMG Guidelines, 2015. Collection method: clinical testing. Allele origin: germline. Affected: no.

Blueprint Genetics
Classification: Likely benign. Last evaluated: 2024-11-27. Review status: criteria provided, single submitter. Criteria: ACMG Guidelines, 2015. Collection method: clinical testing. Allele origin: germline.

KCCC/NGS Laboratory, Kuwait Cancer Control Center
Classification: Benign for Rothmund-Thomson syndrome type 2. Last evaluated: 2023-07-07. Review status: criteria provided, single submitter. Criteria: ACMG Guidelines, 2015. Collection method: clinical testing. Allele origin: germline. Affected: yes.

GeneDx
Classification: Likely benign. Last evaluated: 2021-05-19. Review status: criteria provided, single submitter. Criteria: GeneDx Variant Classification Process June 2021. Collection method: clinical testing. Allele origin: germline. Affected: yes.

Eurofins Ntd Llc (ga)
Classification: Benign. Last evaluated: 2017-08-17. Review status: criteria provided, single submitter. Criteria: EGL Classification Definitions 2015. Collection method: clinical testing. Allele origin: germline. Observed: 7 variant alleles, 7 heterozygotes.

Breakthrough Genomics
Classification: Likely benign. Review status: criteria provided, single submitter. Criteria: ACMG Guidelines, 2015. Collection method: not provided. Allele origin: germline. Inheritance: Autosomal recessive inheritance. Affected: yes.

PreventionGenetics, part of Exact Sciences
Classification: Benign for RECQL4-related condition. Last evaluated: 2019-09-03. Review status: no assertion criteria provided. Collection method: clinical testing. Allele origin: germline. Not counted in ClinVar's aggregate classification.
Comment: This variant is classified as benign based on ACMG/AMP sequence variant interpretation guidelines (Richards et al. 2015 PMID: 25741868, with internal and published modifications).

Dr. Peter K. Rogan Lab, Western University
No classification provided (evidence only). Condition: Clear cell carcinoma of kidney. Review status: no classification provided. Collection method: in vitro. Allele origin: not applicable. Functional consequence: retained intron. Not counted in ClinVar's aggregate classification.

Dr. Peter K. Rogan Lab, Western University
No classification provided (evidence only). Condition: Lung cancer. Review status: no classification provided. Collection method: in vitro. Allele origin: not applicable. Functional consequence: retained intron. Not counted in ClinVar's aggregate classification.

Dr. Peter K. Rogan Lab, Western University
No classification provided (evidence only). Condition: Melanoma. Review status: no classification provided. Collection method: in vitro. Allele origin: not applicable. Functional consequence: retained intron. Not counted in ClinVar's aggregate classification.

Dr. Peter K. Rogan Lab, Western University
No classification provided (evidence only). Condition: Ovarian serous cystadenocarcinoma. Review status: no classification provided. Collection method: in vitro. Allele origin: not applicable. Functional consequence: retained intron. Not counted in ClinVar's aggregate classification.

Dr. Peter K. Rogan Lab, Western University
No classification provided (evidence only). Condition: Gastric cancer. Review status: no classification provided. Collection method: in vitro. Allele origin: not applicable. Functional consequence: retained intron. Not counted in ClinVar's aggregate classification.

Dr. Peter K. Rogan Lab, Western University
No classification provided (evidence only). Condition: Ovarian cancer. Review status: no classification provided. Collection method: in vitro. Allele origin: not applicable. Functional consequence: retained intron. Not counted in ClinVar's aggregate classification.